The following is an entry in ClinVar:

NM_052874.5(STX1B):c.280G>C (p.Ala94Pro)

Gene: STX1B (syntaxin 1B; minus strand). Cytogenetic location: 16p11.2.
Variant type: single nucleotide variant.
Coding change: c.280G>C on transcript NM_052874.5 (MANE Select); coding-DNA position 280, G replaced by C.
Protein change: p.Ala94Pro; replaces alanine 94 with proline.
Molecular consequence: missense variant.
Genome position (GRCh38, 1-based): chr16:31,000,928, C>G on the plus strand (G>C on the coding strand, the complement: STX1B is on the minus strand). VCF-style: chr16-31000928-C-G. GRCh37 (hg19) VCF-style: chr16-31012249-C-G.
Other names: short protein forms A94P.
Identifiers: ClinVar variation 1472747 (VCV001472747.6), dbSNP rs2056624213, ClinGen allele CA395650829.

ClinVar aggregate classification (germline): Uncertain significance (1 of 4 stars; one submission).

Conditions:
Generalized epilepsy with febrile seizures plus, type 9 (GEFSP9). Also called: GEFS+, TYPE 9. Identifiers: Orphanet 36387, MedGen C4015395, MONDO:0014517, OMIM 616172.

Submission:

Labcorp Genetics (formerly Invitae), Labcorp
Classification: Uncertain significance for Generalized epilepsy with febrile seizures plus, type 9. Last evaluated: 2024-06-02. Review status: criteria provided, single submitter. Criteria: Invitae Variant Classification Sherloc (09022015). Collection method: clinical testing. Allele origin: germline.
Comment: This sequence change replaces alanine, which is neutral and non-polar, with proline, which is neutral and non-polar, at codon 94 of the STX1B protein (p.Ala94Pro). This variant also falls at the last nucleotide of exon 4, which is part of the consensus splice site for this exon. This variant is not present in population databases (gnomAD no frequency). This variant has not been reported in the literature in individuals affected with STX1B-related conditions. ClinVar contains an entry for this variant (Variation ID: 1472747). An algorithm developed to predict the effect of missense changes on protein structure and function (PolyPhen-2) suggests that this variant is likely to be tolerated. Variants that disrupt the consensus splice site are a relatively common cause of aberrant splicing (PMID: 17576681, 9536098). Algorithms developed to predict the effect of sequence changes on RNA splicing suggest that this variant may disrupt the consensus splice site. In summary, the available evidence is currently insufficient to determine the role of this variant in disease. Therefore, it has been classified as a Variant of Uncertain Significance.

Literature cited by the submitters: PubMed 17576681; PubMed 9536098.